The following is an entry in ClinVar:

NM_000264.5(PTCH1):c.1602+181A>G

Gene: PTCH1 (patched 1; minus strand). Cytogenetic location: 9q22.32.
Variant type: single nucleotide variant.
Coding change: c.1602+181A>G on transcript NM_000264.5 (MANE Select); 181 bases into the intron after coding-DNA position 1602, A replaced by G.
Molecular consequence: intron variant.
Genome position (GRCh38, 1-based): chr9:95,476,578, T>C on the plus strand (A>G on the coding strand, the complement: PTCH1 is on the minus strand). VCF-style: chr9-95476578-T-C. GRCh37 (hg19) VCF-style: chr9-98238860-T-C.
Other names: NC_000009.11:g.98238860T>C; c.1599+181A>G (NM_001083603.3); c.1404+181A>G (NM_001083602.3); c.1446+181A>G (NM_001354918.2); c.1149+181A>G (NM_001083605.3, NM_001083604.3, NM_001083606.3 and 1 more transcripts).
Identifiers: ClinVar variation 677819 (VCV000677819.2), dbSNP rs2277183, ClinGen allele CA196592652.
Genomic context (GRCh38, chr9:95,476,578, plus strand): 5'-CATTAAAACAAACACCCGTATTCCTAAAGGCACCCGAGATGCAGCTCTTGGGACTTCTCA[T>C]AGCAAATACATGTCCTGAGAGTCTTCCAGCTTATTTCATTGACTGGCAGCCAGTGACACA-3'

ClinVar aggregate classification (germline): Likely benign (1 of 4 stars; one submission).

Allele frequency attached by ClinVar (database versions not stated): gnomAD 0.01724 and 0.01916; TOPMed 0.02073; 1000 Genomes Project 30x 0.04482; 1000 Genomes Project 0.04792.
gnomAD v4.1: 3,031 of 152,136 alleles (2%); highest among the groups gnomAD compares: East Asian, 13%; 91 homozygotes.

Submissions (10):

GeneDx
Classification: Likely benign. Last evaluated: 2018-06-18. Review status: criteria provided, single submitter. Criteria: GeneDx Variant Classification (06012015). Collection method: clinical testing. Allele origin: germline. Affected: yes.
Comment: This variant is considered likely benign or benign based on one or more of the following criteria: it is a conservative change, it occurs at a poorly conserved position in the protein, it is predicted to be benign by multiple in silico algorithms, and/or has population frequency not consistent with disease.

Dr. Peter K. Rogan Lab, Western University
No classification provided (evidence only). Condition: Acute myeloid leukemia. Review status: no classification provided. Collection method: in vitro. Allele origin: not applicable. Functional consequence: retained intron. Not counted in ClinVar's aggregate classification.

Dr. Peter K. Rogan Lab, Western University
No classification provided (evidence only). Condition: Uterine corpus endometrial carcinoma. Review status: no classification provided. Collection method: in vitro. Allele origin: not applicable. Functional consequence: retained intron. Not counted in ClinVar's aggregate classification.

Dr. Peter K. Rogan Lab, Western University
No classification provided (evidence only). Condition: Cervical cancer. Review status: no classification provided. Collection method: in vitro. Allele origin: not applicable. Functional consequence: retained intron. Not counted in ClinVar's aggregate classification.

Dr. Peter K. Rogan Lab, Western University
No classification provided (evidence only). Condition: Sarcoma. Review status: no classification provided. Collection method: in vitro. Allele origin: not applicable. Functional consequence: retained intron. Not counted in ClinVar's aggregate classification.

Dr. Peter K. Rogan Lab, Western University
No classification provided (evidence only). Condition: Thymoma. Review status: no classification provided. Collection method: in vitro. Allele origin: not applicable. Functional consequence: retained intron. Not counted in ClinVar's aggregate classification.

Dr. Peter K. Rogan Lab, Western University
No classification provided (evidence only). Condition: Ovarian serous cystadenocarcinoma. Review status: no classification provided. Collection method: in vitro. Allele origin: not applicable. Functional consequence: retained intron. Not counted in ClinVar's aggregate classification.

Dr. Peter K. Rogan Lab, Western University
No classification provided (evidence only). Condition: Malignant tumor of esophagus. Review status: no classification provided. Collection method: in vitro. Allele origin: not applicable. Functional consequence: retained intron. Not counted in ClinVar's aggregate classification.

Dr. Peter K. Rogan Lab, Western University
No classification provided (evidence only). Condition: Malignant tumor of esophagus. Review status: no classification provided. Collection method: in vitro. Allele origin: not applicable. Functional consequence: retained intron. Not counted in ClinVar's aggregate classification.

Dr. Peter K. Rogan Lab, Western University
No classification provided (evidence only). Condition: Malignant tumor of esophagus. Review status: no classification provided. Collection method: in vitro. Allele origin: not applicable. Functional consequence: retained intron. Not counted in ClinVar's aggregate classification.